The following is an entry in ClinVar:

NM_000180.4(GUCY2D):c.1868C>T (p.Thr623Met)

Gene: GUCY2D (guanylate cyclase 2D, retinal; plus strand). Cytogenetic location: 17p13.1.
Variant type: single nucleotide variant.
Coding change: c.1868C>T on transcript NM_000180.4 (MANE Select); coding-DNA position 1868, C replaced by T.
Protein change: p.Thr623Met; replaces threonine 623 with methionine.
Molecular consequence: missense variant.
Genome position (GRCh38, 1-based): chr17:8,012,262, C>T. VCF-style: chr17-8012262-C-T. GRCh37 (hg19) VCF-style: chr17-7915580-C-T.
Other names: c.1868C>T (NM_000180.3); short protein forms T623M.
Identifiers: ClinVar variation 1056173 (VCV001056173.9), dbSNP rs370742162, ClinGen allele CA8365919.
Genomic context (GRCh38, chr17:8,012,262, plus strand): 5'-GAGCAGAAGGCCCTGCGGCCCTCTGGGAGGGCAACCTGGCTGTGGTCTCAGAGCACTGCA[C>T]GCGGGGCTCTCTTCAGGACCTCCTCGCTCAGAGAGAAATAAAGCTGGACTGGATGTTCAA-3'
Protein context (NP_000171.1, residues 613-633): GNLAVVSEHC[Thr623Met]RGSLQDLLAQ

ClinVar aggregate classification (germline): Uncertain significance. Review status: criteria provided, multiple submitters, no conflicts (2 of 4 stars). 3 submissions from 3 submitters: Uncertain significance (3). Last evaluated 2025-10-03.

Conditions:
Inborn genetic diseases. Identifiers: MedGen C0950123, MeSH D030342.
Leber congenital amaurosis 1 (LCA1). Also called: Congenital absence of the rods and cones; Leber's congenital tapetoretinal degeneration; Leber's congenital tapetoretinal dysplasia; RETINAL BLINDNESS, CONGENITAL; AMAUROSIS CONGENITA OF LEBER I. Identifiers: Orphanet 65, MedGen C2931258, MONDO:0008764, OMIM 204000.
Cone-rod dystrophy 6 (CORD6). Also called: RETINAL CONE DYSTROPHY 2; Cone dystrophy progressive. Identifiers: Orphanet 1872, MedGen C1866293, MONDO:0011143, OMIM 601777.

Allele frequency attached by ClinVar (database versions not stated): gnomAD exomes 0.00002; TOPMed 0.00003; gnomAD 0.00007; ESP Exome Variant Server 0.00008.
gnomAD v4.1: 34 of 1,613,378 alleles (0.0021%); highest among the groups gnomAD compares: East Asian, 0.02%; no homozygotes.

Submissions (3):

Labcorp Genetics (formerly Invitae), Labcorp
Classification: Uncertain significance for Leber congenital amaurosis 1; Cone-rod dystrophy 6. Last evaluated: 2025-10-03. Review status: criteria provided, single submitter. Criteria: Invitae Variant Classification Sherloc (09022015). Collection method: clinical testing. Allele origin: germline.
Comment: This sequence change replaces threonine, which is neutral and polar, with methionine, which is neutral and non-polar, at codon 623 of the GUCY2D protein (p.Thr623Met). This variant is present in population databases (rs370742162, gnomAD 0.02%). This missense change has been observed in individual(s) with clinical features of retinitis pigmentosa (internal data). ClinVar contains an entry for this variant (Variation ID: 1056173). Invitae Evidence Modeling of protein sequence and biophysical properties (such as structural, functional, and spatial information, amino acid conservation, physicochemical variation, residue mobility, and thermodynamic stability) indicates that this missense variant is not expected to disrupt GUCY2D protein function with a negative predictive value of 80%. In summary, the available evidence is currently insufficient to determine the role of this variant in disease. Therefore, it has been classified as a Variant of Uncertain Significance.

Ambry Genetics
Classification: Uncertain significance for Inborn genetic diseases. Last evaluated: 2023-12-17. Review status: criteria provided, single submitter. Criteria: Ambry Variant Classification Scheme 2023. Collection method: clinical testing. Allele origin: germline.

Blueprint Genetics
Classification: Uncertain significance. Last evaluated: 2023-11-27. Review status: criteria provided, single submitter. Criteria: ACMG Guidelines, 2015. Collection method: clinical testing. Allele origin: germline.